The following is an entry in ClinVar:

NM_032383.5(HPS3):c.781C>G (p.Leu261Val)

Gene: HPS3 (HPS3 biogenesis of lysosomal organelles complex 2 subunit 1; plus strand). Cytogenetic location: 3q24.
Variant type: single nucleotide variant.
Coding change: c.781C>G on transcript NM_032383.5 (MANE Select); coding-DNA position 781, C replaced by G.
Protein change: p.Leu261Val; replaces leucine 261 with valine.
Molecular consequence: missense variant.
Genome position (GRCh38, 1-based): chr3:149,141,085, C>G. VCF-style: chr3-149141085-C-G. GRCh37 (hg19) VCF-style: chr3-148858872-C-G.
Other names: c.286C>G, p.Leu96Val (NM_001308258.2); short protein forms L96V, L261V.
Identifiers: ClinVar variation 1409960 (VCV001409960.7), dbSNP rs778626931, ClinGen allele CA354913369.

ClinVar aggregate classification (germline): Uncertain significance (1 of 4 stars; one submission).

Allele frequency attached by ClinVar (database versions not stated): gnomAD 0.00001.
gnomAD v4.1: 1 of 1,613,358 alleles (0.000062%); highest among the groups gnomAD compares: Admixed American, 0.0017%; no homozygotes.

Submission:

Labcorp Genetics (formerly Invitae), Labcorp
Classification: Uncertain significance. Last evaluated: 2021-04-09. Review status: criteria provided, single submitter. Criteria: Invitae Variant Classification Sherloc (09022015). Collection method: clinical testing. Allele origin: germline.
Comment: This variant has not been reported in the literature in individuals with HPS3-related conditions. This sequence change replaces leucine with valine at codon 261 of the HPS3 protein (p.Leu261Val). The leucine residue is moderately conserved and there is a small physicochemical difference between leucine and valine. This variant is not present in population databases (ExAC no frequency). Algorithms developed to predict the effect of missense changes on protein structure and function (SIFT, PolyPhen-2, Align-GVGD) all suggest that this variant is likely to be tolerated, but these predictions have not been confirmed by published functional studies and their clinical significance is uncertain. In summary, the available evidence is currently insufficient to determine the role of this variant in disease. Therefore, it has been classified as a Variant of Uncertain Significance.